The following is an entry in ClinVar:

ClinVar aggregate classification (germline): Likely pathogenic (1 of 4 stars; one submission).

Conditions:
Coffin-Siris syndrome 8. Identifiers: MedGen C5193054, MONDO:0032702, OMIM 618362.

Submission:

Laboratorio de Genetica e Diagnostico Molecular, Hospital Israelita Albert Einstein
Classification: Likely pathogenic for Coffin-Siris syndrome 8. Last evaluated: 2022-11-04. Review status: criteria provided, single submitter. Criteria: ACMG Guidelines, 2015. Collection method: clinical testing. Allele origin: germline. Affected: yes. Observed: 1 variant allele.
Comment: ACMG classification criteria: PVS1 strong, PM2 moderated

NM_001330288.2(SMARCC2):c.1496+2T>G

Gene: SMARCC2 (SWI/SNF related BAF chromatin remodeling complex subunit C2; minus strand). Cytogenetic location: 12q13.2.
Variant type: single nucleotide variant.
Coding change: c.1496+2T>G on transcript NM_001330288.2 (MANE Select); the canonical splice donor site of the intron after coding-DNA position 1496, T replaced by G.
Molecular consequence: splice donor variant.
Genome position (GRCh38, 1-based): chr12:56,174,649, A>C on the plus strand (T>G on the coding strand, the complement: SMARCC2 is on the minus strand). VCF-style: chr12-56174649-A-C. GRCh37 (hg19) VCF-style: chr12-56568433-A-C.
Other names: c.1496+2T>G (NM_003075.5, NM_139067.4, NM_001130420.3).
Identifiers: ClinVar variation 2431773 (VCV002431773.1), dbSNP rs2540900727, ClinGen allele CA385347098.